The following is an entry in ClinVar:

ClinVar aggregate classification (germline): Uncertain significance (1 of 4 stars; one submission).

Conditions:
Periodic fever-infantile enterocolitis-autoinflammatory syndrome. Also called: Autoinflammation with infantile enterocolitis. Identifiers: Orphanet 436166, MedGen C4015067, MONDO:0014472, OMIM 616050.
Familial cold autoinflammatory syndrome 4 (FCAS4). Identifiers: Orphanet 47045, Orphanet 576349, MedGen C4015276, MONDO:0014498, OMIM 616115.

Allele frequency attached by ClinVar (database versions not stated): TOPMed below 0.00001; ExAC 0.00001; gnomAD exomes below 0.00001; gnomAD 0.00002.

Submission:

Labcorp Genetics (formerly Invitae), Labcorp
Classification: Uncertain significance for Periodic fever-infantile enterocolitis-autoinflammatory syndrome; Familial cold autoinflammatory syndrome 4. Last evaluated: 2024-09-06. Review status: criteria provided, single submitter. Criteria: Invitae Variant Classification Sherloc (09022015). Collection method: clinical testing. Allele origin: germline.
Comment: This sequence change replaces aspartic acid, which is acidic and polar, with glycine, which is neutral and non-polar, at codon 125 of the NLRC4 protein (p.Asp125Gly). This variant is present in population databases (rs758384221, gnomAD 0.002%). This variant has not been reported in the literature in individuals affected with NLRC4-related conditions. ClinVar contains an entry for this variant (Variation ID: 1959504). Invitae Evidence Modeling of protein sequence and biophysical properties (such as structural, functional, and spatial information, amino acid conservation, physicochemical variation, residue mobility, and thermodynamic stability) indicates that this missense variant is expected to disrupt NLRC4 protein function with a positive predictive value of 80%. In summary, the available evidence is currently insufficient to determine the role of this variant in disease. Therefore, it has been classified as a Variant of Uncertain Significance.

NM_001199138.2(NLRC4):c.374A>G (p.Asp125Gly)

Gene: NLRC4 (NLR family CARD domain containing 4; minus strand). Cytogenetic location: 2p22.3.
Variant type: single nucleotide variant.
Coding change: c.374A>G on transcript NM_001199138.2 (MANE Select); coding-DNA position 374, A replaced by G.
Protein change: p.Asp125Gly; replaces aspartic acid 125 with glycine.
Molecular consequence: missense variant. On other transcripts: intron variant (1).
Genome position (GRCh38, 1-based): chr2:32,251,490, T>C on the plus strand (A>G on the coding strand, the complement: NLRC4 is on the minus strand). VCF-style: chr2-32251490-T-C. GRCh37 (hg19) VCF-style: chr2-32476559-T-C.
Other names: c.374A>G, p.Asp125Gly (NM_001199139.2, NM_021209.5); c.262+929A>G (NM_001302504.1); short protein forms D125G.
Identifiers: ClinVar variation 1959504 (VCV001959504.5), dbSNP rs758384221, ClinGen allele CA1602153.
Genomic context (GRCh38, chr2:32,251,490, plus strand): 5'-TGTTGGTCCTTCCTCCACAGGACAGGTTCTGTGAAGGTGCTTTTCAAGTTAAAAATAATG[T>C]CAATATCTTCACCAAGGGGATAAAAGTTCAGAAAAGATGGGGTATGGTACAAGTCCTTTA-3'
Protein context (NP_001186067.1, residues 115-135): LNFYPLGEDI[Asp125Gly]IIFNLKSTFT